The following is an entry in ClinVar:

ClinVar aggregate classification (germline): Likely benign (1 of 4 stars; one submission).

Conditions:
Arrhythmogenic cardiomyopathy with wooly hair and keratoderma. Also called: PALMOPLANTAR KERATODERMA WITH LEFT VENTRICULAR CARDIOMYOPATHY AND WOOLLY HAIR; Carvajal syndrome; Dilated cardiomyopathy with woolly hair and keratoderma; Arrhythmogenic cardiomyopathy with woolly hair and keratoderma. Identifiers: Orphanet 65282, MedGen C1854063, MONDO:0011581, OMIM 605676.

Submission:

All of Us Research Program, National Institutes of Health
Classification: Likely benign for Arrhythmogenic cardiomyopathy with wooly hair and keratoderma. Last evaluated: 2023-11-20. Review status: criteria provided, single submitter. Criteria: ACMG Guidelines, 2015. Collection method: clinical testing. Allele origin: germline. Inheritance: Autosomal dominant inheritance. Observed: 1 variant allele, 1 heterozygote.
Comment: This study involves interpretation of variants in research participants for the purpose of population health screening. Participant phenotype was not available at the time of variant classification. Additional details can be found in publication PMID: 35346344, PMCID: PMC8962531

NM_004415.4(DSP):c.2808A>G (p.Glu936=)

Gene: DSP (desmoplakin; plus strand). Cytogenetic location: 6p24.3.
Variant type: single nucleotide variant.
Coding change: c.2808A>G on transcript NM_004415.4 (MANE Select); coding-DNA position 2808, A replaced by G.
Protein change: p.Glu936=; no amino-acid change (glutamic acid 936 retained).
Molecular consequence: synonymous variant.
Genome position (GRCh38, 1-based): chr6:7,576,973, A>G. VCF-style: chr6-7576973-A-G. GRCh37 (hg19) VCF-style: chr6-7577206-A-G.
Other names: c.2808A>G, p.Glu936= (NM_001008844.3, NM_001319034.2).
Identifiers: ClinVar variation 3074693 (VCV003074693.1), dbSNP rs2533913671, ClinGen allele CA448529669.
Genomic context (GRCh38, chr6:7,576,973, plus strand): 5'-ATATTTGTATGCATTAACATTGGTAAATATTTCACTTTTTGTATAGAACTTGCACAGTGA[A>G]ATATCTGGCAAACGAGACAAATCAGAGGAAGTACAAAAAATTGCTGAACTTTGCGCCAAT-3'
Protein context (NP_004406.2, residues 926-946): FLNEQKNLHS[Glu936=]ISGKRDKSEE